The following is an entry in ClinVar:

NM_000388.4(CASR):c.2265G>T (p.Glu755Asp)

Gene: CASR (calcium sensing receptor; plus strand). Cytogenetic location: 3q21.1.
Variant type: single nucleotide variant.
Coding change: c.2265G>T on transcript NM_000388.4 (MANE Select); coding-DNA position 2265, G replaced by T.
Protein change: p.Glu755Asp; replaces glutamic acid 755 with aspartic acid.
Molecular consequence: missense variant.
Genome position (GRCh38, 1-based): chr3:122,284,219, G>T. VCF-style: chr3-122284219-G-T. GRCh37 (hg19) VCF-style: chr3-122003066-G-T.
Other names: c.2295G>T (NM_001178065.1); c.2295G>T, p.Glu765Asp (NM_001178065.2); short protein forms E765D, E755D.
Identifiers: ClinVar variation 662322 (VCV000662322.16), dbSNP rs201366240, ClinGen allele CA2569807.

ClinVar aggregate classification (germline): Conflicting classifications of pathogenicity. Review status: criteria provided, conflicting classifications (1 of 4 stars). 5 submissions from 5 submitters: Uncertain significance (3); Likely benign (2). Last evaluated 2026-02-13.

Conditions:
Familial hyperparathyroidism or Hypocalciuric hypercalcaemia.
Nephrolithiasis/nephrocalcinosis. Identifiers: MedGen CN580796.
CASR-related disorder. Also called: CASR-related condition.
Autosomal dominant hypocalcemia 1 (HYPOC1). Also called: HYPOCALCEMIA, FAMILIAL. Identifiers: MedGen C3715128, MONDO:0011013, OMIM 601198.
Familial hypocalciuric hypercalcemia (FHH). Also called: Familial benign hypercalcemia. Identifiers: Orphanet 405, MedGen C1809471, MONDO:0018458.
Epilepsy, idiopathic generalized, susceptibility to, 8. Identifiers: MedGen C2752062, MONDO:0013032, OMIM 612899.
Neonatal severe primary hyperparathyroidism. Identifiers: Orphanet 417, MedGen C1832615, MONDO:0009397, OMIM 239200.
Familial hypocalciuric hypercalcemia 1. Also called: Hypercalcemia, familial benign type 1. Identifiers: Orphanet 405, Orphanet 93372, MedGen C0342637, MONDO:0007791, OMIM 145980.

Allele frequency attached by ClinVar (database versions not stated): ExAC 0.00002; gnomAD exomes 0.00002; gnomAD 0.00003.
gnomAD v4.1: 91 of 1,613,958 alleles (0.0056%); highest among the groups gnomAD compares: Non-Finnish European, 0.0073%; no homozygotes.

Submissions (5):

Cambridge Genomics Laboratory, East Genomic Laboratory Hub, NHS Genomic Medicine Service
Classification: Uncertain significance for Familial hyperparathyroidism or Hypocalciuric hypercalcaemia. Last evaluated: 2026-02-13. Review status: criteria provided, single submitter. Criteria: ACGS Best Practice Guidelines for Variant Classification in Rare Disease 2020. Collection method: clinical testing. Allele origin: germline. Affected: yes.
Comment: PM2,BP4

PreventionGenetics, part of Exact Sciences
Classification: Uncertain significance for CASR-related condition. Last evaluated: 2025-07-08. Review status: criteria provided, single submitter. Criteria: ACMG Guidelines, 2015. Collection method: clinical testing. Allele origin: germline.
Comment: The CASR c.2295G>T variant is predicted to result in the amino acid substitution p.Glu765Asp. To our knowledge, this variant has not been reported in the literature. This variant is reported in 0.0054% of alleles in individuals of European (Non-Finnish) descent in gnomAD. At this time, the clinical significance of this variant is uncertain due to the absence of conclusive functional and genetic evidence.

Labcorp Genetics (formerly Invitae), Labcorp
Classification: Likely benign for Familial hypocalciuric hypercalcemia; Autosomal dominant hypocalcemia 1. Last evaluated: 2025-01-29. Review status: criteria provided, single submitter. Criteria: Invitae Variant Classification Sherloc (09022015). Collection method: clinical testing. Allele origin: germline.

Fulgent Genetics
Classification: Uncertain significance for Familial hypocalciuric hypercalcemia 1; Neonatal severe primary hyperparathyroidism; Autosomal dominant hypocalcemia 1; Epilepsy, idiopathic generalized, susceptibility to, 8. Last evaluated: 2024-01-31. Review status: criteria provided, single submitter. Criteria: ACMG Guidelines, 2015. Collection method: clinical testing. Allele origin: germline.

Ambry Genetics
Classification: Likely benign for Nephrolithiasis/nephrocalcinosis. Last evaluated: 2019-01-10. Review status: criteria provided, single submitter. Criteria: Ambry Variant Classification Scheme 2023. Collection method: clinical testing. Allele origin: germline.